The following is an entry in ClinVar:

NM_000152.5(GAA):c.1876T>C (p.Ser626Pro)

Gene: GAA (alpha glucosidase; plus strand). Cytogenetic location: 17q25.3.
Variant type: single nucleotide variant.
Coding change: c.1876T>C on transcript NM_000152.5 (MANE Select); coding-DNA position 1876, T replaced by C.
Protein change: p.Ser626Pro; replaces serine 626 with proline.
Molecular consequence: missense variant.
Genome position (GRCh38, 1-based): chr17:80,112,699, T>C. VCF-style: chr17-80112699-T-C. GRCh37 (hg19) VCF-style: chr17-78086498-T-C.
Other names: c.1876T>C, p.Ser626Pro (NM_001079803.3, NM_001079804.3); short protein forms S626P.
Identifiers: ClinVar variation 1483143 (VCV001483143.6), dbSNP rs1235035841, ClinGen allele CA401369744.

ClinVar aggregate classification (germline): Uncertain significance (1 of 4 stars; one submission).

Conditions:
Glycogen storage disease, type II (IOPD). Also called: Glucosidase acid-1,4-alpha deficiency; Pompe Disease; POMPE DISEASE, INFANTILE-ONSET; GLYCOGEN STORAGE DISEASE II, INFANTILE-ONSET; ACID ALPHA-GLUCOSIDASE DEFICIENCY, INFANTILE-ONSET; GAA DEFICIENCY, INFANTILE-ONSET. Identifiers: Orphanet 365, MedGen C0017921, MONDO:0009290, OMIM 232300.

Submission:

Labcorp Genetics (formerly Invitae), Labcorp
Classification: Uncertain significance for Glycogen storage disease, type II. Last evaluated: 2021-09-13. Review status: criteria provided, single submitter. Criteria: Invitae Variant Classification Sherloc (09022015). Collection method: clinical testing. Allele origin: germline.
Comment: In summary, the available evidence is currently insufficient to determine the role of this variant in disease. Therefore, it has been classified as a Variant of Uncertain Significance. Advanced modeling of protein sequence and biophysical properties (such as structural, functional, and spatial information, amino acid conservation, physicochemical variation, residue mobility, and thermodynamic stability) performed at Invitae indicates that this missense variant is not expected to disrupt GAA protein function. This variant has not been reported in the literature in individuals affected with GAA-related conditions. This variant is not present in population databases (ExAC no frequency). This sequence change replaces serine with proline at codon 626 of the GAA protein (p.Ser626Pro). The serine residue is weakly conserved and there is a moderate physicochemical difference between serine and proline.